The following is an entry in ClinVar:

ClinVar aggregate classification (germline): Conflicting classifications of pathogenicity. Review status: criteria provided, conflicting classifications (1 of 4 stars). 4 submissions from 4 submitters: Pathogenic (1); Likely pathogenic (1); Uncertain significance (2). Last evaluated 2026-04-14.

Conditions:
Jeune thoracic dystrophy. Also called: Short-rib thoracic dysplasia; Jeune syndrome; Infantile thoracic dystrophy; Thoracic pelvic phalangeal dystrophy; Jeune's syndrome; Chondroectodermal dysplasia-like syndrome. Identifiers: Orphanet 474, MedGen C0265275, MONDO:0018770.
Asphyxiating thoracic dystrophy 3. Also called: SHORT-RIB THORACIC DYSPLASIA 3 WITH OR WITHOUT POLYDACTYLY; POLYDACTYLY WITH NEONATAL CHONDRODYSTROPHY, TYPE I; SHORT-RIB THORACIC DYSPLASIA 3/6 WITH POLYDACTYLY, DIGENIC; Short rib polydactyly syndrome 2B; Saldino-Noonan Syndrome. Identifiers: Orphanet 474, Orphanet 93269, Orphanet 93270, Orphanet 93271, MedGen C0036069, MONDO:0013127, OMIM 613091.
DYNC2H1-related disorder. Also called: DYNC2H1-related disorders; DYNC2H1-related condition. Identifiers: MedGen CN378770.

Allele frequency attached by ClinVar (database versions not stated): gnomAD exomes below 0.00001; ExAC 0.00001.
gnomAD v4.1: 2 of 1,610,100 alleles (0.00012%); highest among the groups gnomAD compares: Non-Finnish European, 0.00017%; no homozygotes.

Submissions (4):

Myriad Genetics, Inc.
Classification: Uncertain significance for Asphyxiating thoracic dystrophy 3. Last evaluated: 2026-04-14. Review status: criteria provided, single submitter. Criteria: Myriad Autosomal Dominant, Autosomal Recessive and X-Linked Classification Criteria (2023). Collection method: clinical testing. Allele origin: unknown.
Comment: NM_001377.2(DYNC2H1):c.8003T>G(V2668G) is a missense variant classified as a variant of uncertain significance in the context of DYNC2H1-related disorders. V2668G has been observed in a case with relevant disease (PMID: 33875766). Relevant functional assessments of this variant are not available in the literature. V2668G has been observed in referenced population frequency databases. In summary, there is insufficient evidence to classify NM_001377.2(DYNC2H1):c.8003T>G(V2668G) as pathogenic or benign. Please note: this variant was assessed in the context of healthy population screening.

PreventionGenetics, part of Exact Sciences
Classification: Likely pathogenic for DYNC2H1-related condition. Last evaluated: 2025-06-17. Review status: criteria provided, single submitter. Criteria: ACMG Guidelines, 2015. Collection method: clinical testing. Allele origin: germline.
Comment: The DYNC2H1 c.8003T>G variant is predicted to result in the amino acid substitution p.Val2668Gly. This variant has been reported in the compound heterozygous state in individuals with skeletal ciliopathy (Hammarsjö et al. 2021. PubMed ID: 33875766; internal data). This variant is reported in 0.00089% of alleles in individuals of European (Non-Finnish) descent in gnomAD. This variant is interpreted as likely pathogenic.

Rare Disease Group, Clinical Genetics, Karolinska Institutet
Classification: Uncertain significance for Jeune thoracic dystrophy. Last evaluated: 2018-05-01. Review status: criteria provided, single submitter. Criteria: ACMG Guidelines, 2015. Collection method: research. Allele origin: paternal. Inheritance: Autosomal recessive inheritance. Affected: yes.

Clinical Genetics and Genomics, Karolinska University Hospital
Classification: Pathogenic. Last evaluated: 2014-11-21. Review status: criteria provided, single submitter. Criteria: ACMG Guidelines, 2015. Collection method: clinical testing. Allele origin: germline. Affected: yes. Observed: 1 variant allele.

Literature cited by the submitters: PubMed 33875766 (cited by Myriad Genetics, Inc.).

NM_001377.3(DYNC2H1):c.8003T>G (p.Val2668Gly)

Gene: DYNC2H1 (dynein cytoplasmic 2 heavy chain 1; plus strand). Cytogenetic location: 11q22.3.
Variant type: single nucleotide variant.
Coding change: c.8003T>G on transcript NM_001377.3 (MANE Select); coding-DNA position 8003, T replaced by G.
Protein change: p.Val2668Gly; replaces valine 2668 with glycine.
Molecular consequence: missense variant.
Genome position (GRCh38, 1-based): chr11:103,199,391, T>G. VCF-style: chr11-103199391-T-G. GRCh37 (hg19) VCF-style: chr11-103070120-T-G.
Other names: c.8003T>G, p.Val2668Gly (NM_001080463.2); short protein forms V2668G.
Identifiers: ClinVar variation 558739 (VCV000558739.5), dbSNP rs764468030, ClinGen allele CA6254370.
Genomic context (GRCh38, chr11:103,199,391, plus strand): 5'-GAGGTTCACTTCTATTAGCAGGACGCAGTGGTGTAGGTCGTCGGACCATCACTTCTTTAG[T>G]CAGTCACATGCATGGAGCGGTCCTGTTTTCTCCAAAGATTTCCAGAGGATATGAACTGAA-3'
Protein context (NP_001368.2, residues 2658-2678): GVGRRTITSL[Val2668Gly]SHMHGAVLFS